The following is an entry in ClinVar:

ClinVar aggregate classification (germline): Likely benign (1 of 4 stars; one submission).

Submission:

GeneDx
Classification: Likely benign. Last evaluated: 2019-11-15. Review status: criteria provided, single submitter. Criteria: GeneDx Variant Classification Process June 2021. Collection method: clinical testing. Allele origin: germline. Affected: yes.
Comment: See Variant Classification Assertion Criteria.

NM_030780.5(SLC25A32):c.155-158TA[6]

Gene: SLC25A32 (solute carrier family 25 member 32; minus strand). Cytogenetic location: 8q22.3.
Variant type: Microsatellite.
Coding change: c.155-158TA[6] on transcript NM_030780.5 (MANE Select); six copies in a row of the 2-base unit TA starting at c.155-158; the reference has five copies in a row; one copy, 2 bases duplicated.
Molecular consequence: intron variant.
Genome position (GRCh38, 1-based): chr8:103,407,933-103,407,934, TA duplicated on the plus strand (TA on the coding strand, the reverse complement: SLC25A32 is on the minus strand); duplicating any 2 consecutive bases within chr8:103,407,933-103,407,943 gives the same sequence; the position shown is the placement nearest the transcript's 3' end. VCF-style (leftmost placement, unchanged base first): chr8-103407932-T-TTA. GRCh37 (hg19) VCF-style: chr8-104420160-T-TTA.
Identifiers: ClinVar variation 1706687 (VCV001706687.2), dbSNP rs200282193, ClinGen allele CA182561179.